The following is an entry in ClinVar:

ClinVar aggregate classification (germline): Likely benign. Review status: criteria provided, multiple submitters, no conflicts (2 of 4 stars). 2 submissions from 2 submitters: Likely benign (2). Last evaluated 2026-07-01.

Allele frequency attached by ClinVar (database versions not stated): gnomAD 0.00004; TOPMed 0.00004.
gnomAD v4.1: 118 of 1,518,426 alleles (0.0078%); highest among the groups gnomAD compares: Middle Eastern, 0.025%; no homozygotes.

Submissions (2):

CeGaT Center for Human Genetics Tuebingen
Classification: Likely benign. Last evaluated: 2026-07-01. Review status: criteria provided, single submitter. Criteria: CeGaT Center For Human Genetics Tuebingen Variant Classification Criteria Version 2. Collection method: clinical testing. Allele origin: germline. Affected: yes. Observed: 2 variant alleles.
Comment: BRD4: BP4, BP7

Labcorp Genetics (formerly Invitae), Labcorp
Classification: Likely benign. Last evaluated: 2025-01-08. Review status: criteria provided, single submitter. Criteria: Invitae Variant Classification Sherloc (09022015). Collection method: clinical testing. Allele origin: germline.

NM_001379291.1(BRD4):c.819C>T (p.Pro273=)

Gene: BRD4 (bromodomain containing 4; minus strand). Cytogenetic location: 19p13.12.
Variant type: single nucleotide variant.
Coding change: c.819C>T on transcript NM_001379291.1 (MANE Select); coding-DNA position 819, C replaced by T.
Protein change: p.Pro273=; no amino-acid change (proline 273 retained).
Molecular consequence: synonymous variant.
Genome position (GRCh38, 1-based): chr19:15,265,384, G>A on the plus strand (C>T on the coding strand, the complement: BRD4 is on the minus strand). VCF-style: chr19-15265384-G-A. GRCh37 (hg19) VCF-style: chr19-15376195-G-A.
Other names: c.819C>T, p.Pro273= (NM_001330384.2, NM_001379292.1, NM_014299.3 and 1 more transcripts).
Identifiers: ClinVar variation 2053573 (VCV002053573.22), dbSNP rs201023956, ClinGen allele CA9265526.